The following is an entry in ClinVar:

NM_015836.4(WARS2):c.496G>C (p.Ala166Pro)

Gene: WARS2 (tryptophanyl tRNA synthetase 2, mitochondrial; minus strand). Cytogenetic location: 1p12.
Variant type: single nucleotide variant.
Coding change: c.496G>C on transcript NM_015836.4 (MANE Select); coding-DNA position 496, G replaced by C.
Protein change: p.Ala166Pro; replaces alanine 166 with proline.
Molecular consequence: missense variant. On other transcripts: intron variant (1).
Genome position (GRCh38, 1-based): chr1:119,042,283, C>G on the plus strand (G>C on the coding strand, the complement: WARS2 is on the minus strand). VCF-style: chr1-119042283-C-G. GRCh37 (hg19) VCF-style: chr1-119584906-C-G.
Other names: c.427G>C, p.Ala143Pro (NM_001378226.1, NM_001378227.1); c.325G>C, p.Ala109Pro (NM_001378228.1); c.238G>C, p.Ala80Pro (NM_001378229.1); c.214G>C, p.Ala72Pro (NM_001378230.1); c.496G>C, p.Ala166Pro (NM_201263.2); c.429+3299G>C (NM_001378231.1); short protein forms A80P, A166P, A109P, A143P, A72P.
Identifiers: ClinVar variation 4992898 (VCV004992898.1).

ClinVar aggregate classification (germline): Uncertain significance (1 of 4 stars; one submission).

Conditions:
WARS2-related disorder. Also called: WARS2-related disorders; WARS2 related condition.

Submission:

PreventionGenetics, part of Exact Sciences
Classification: Uncertain significance for WARS2-related condition. Last evaluated: 2026-06-24. Review status: criteria provided, single submitter. Criteria: ACMG Guidelines, 2015. Collection method: clinical testing. Allele origin: germline.
Comment: The WARS2 c.496G>C variant is predicted to result in the amino acid substitution p.Ala166Pro. To our knowledge, this variant has not been reported in the literature or in a large population database (gnomAD), indicating this variant is rare. At this time, the clinical significance of this variant is uncertain due to the absence of conclusive functional and genetic evidence.